The following is an entry in ClinVar:

ClinVar aggregate classification (germline): Likely benign (1 of 4 stars; one submission).

Submission:

Women's Health and Genetics/Laboratory Corporation of America, LabCorp
Classification: Likely benign. Last evaluated: 2023-08-16. Review status: criteria provided, single submitter. Criteria: LabCorp Variant Classification Summary - May 2015. Collection method: clinical testing. Allele origin: germline.
Comment: Variant summary: The variant identified by MLPA or other technology involves the duplication of exons 1-17 (i.e., the full coding sequence) of the DHTKD1 gene. A presumed nomenclature of c.(?_-118)_(*2341_?)dup has been designated for the purposes of this classification. It has been assumed that this is a tandem duplication in direct orientation (Richardson_GIM_2018, Newman_AJHG_2015). Since exact breakpoints of this duplication are not known, it might extend beyond the assayed region of the DHTKD1 gene, including other flanking genes. A large duplication variant (chr10:12100307-12166169, size: 65,862 bp) involving the DHTKD1 gene was found at a frequency of 0.0056 in 21684 control chromosomes, predominantly at a frequency of 0.012 within the African or African-American subpopulation in the gnomAD Structural Variants dataset, including 1 homozygote. The high frequency and the presence of a homozygote in the control population suggests this may represent a benign polymorphism, although potential risk associations with this variant cannot be excluded. To our knowledge, no occurrence of c.(?_-118)_(*2341_?)dup in individuals affected with 2-Aminoadipic 2-Oxoadipic Aciduria and no experimental evidence demonstrating its impact on protein function have been reported. Three submitters have reported clinical-significance assessments for this variant to ClinVar after 2014 with conflicting assessments: two submitters classified the variant as uncertain significance, and one submitter classified the variant as benign. Based on the evidence outlined above, the variant was classified as likely benign.

NC_000010.10:g.(?_12110915)_(12165228_?)dup

Gene: DHTKD1 (dehydrogenase E1 and transketolase domain containing 1; plus strand). Cytogenetic location: 10p14.
Variant type: Duplication.
Identifiers: ClinVar variation 2581168 (VCV002581168.1).